The following is an entry in ClinVar:

NM_001035.3(RYR2):c.7621C>A (p.His2541Asn)

Gene: RYR2 (ryanodine receptor 2; plus strand). Cytogenetic location: 1q43.
Variant type: single nucleotide variant.
Coding change: c.7621C>A on transcript NM_001035.3 (MANE Select); coding-DNA position 7621, C replaced by A.
Protein change: p.His2541Asn; replaces histidine 2541 with asparagine.
Molecular consequence: missense variant.
Genome position (GRCh38, 1-based): chr1:237,649,985, C>A. VCF-style: chr1-237649985-C-A. GRCh37 (hg19) VCF-style: chr1-237813285-C-A.
Other names: c.7621C>A (NM_001035.2); short protein forms H2541N.
Identifiers: ClinVar variation 1432819 (VCV001432819.8), dbSNP rs763814352, ClinGen allele CA087434.
Genomic context (GRCh38, chr1:237,649,985, plus strand): 5'-TGCACAGCCGTCTTGCCATTGTTAACAAGATGTGCTCCTCTCTTTGCTGGCACAGAGCAC[C>A]ACGCTTCTCTCATTGACTCATTACTTCATACTGTGTATAGACTTTCTAAGGGCTGTTCAC-3'
Protein context (NP_001026.2, residues 2531-2551): CAPLFAGTEH[His2541Asn]ASLIDSLLHT

ClinVar aggregate classification (germline): Uncertain significance. Review status: criteria provided, multiple submitters, no conflicts (2 of 4 stars). 3 submissions from 3 submitters: Uncertain significance (3). Last evaluated 2024-05-14.

Conditions:
Catecholaminergic polymorphic ventricular tachycardia (CVPT). Also called: Catecholamine-induced polymorphic ventricular tachycardia. Identifiers: Orphanet 3286, MedGen C5574922, MONDO:0017990.
Cardiovascular phenotype. Identifiers: MedGen CN230736.
Catecholaminergic polymorphic ventricular tachycardia 1. Also called: VENTRICULAR TACHYCARDIA, CATECHOLAMINERGIC POLYMORPHIC, 1, WITH OR WITHOUT ATRIAL DYSFUNCTION AND/OR DILATED CARDIOMYOPATHY; RYR2-Related Catecholaminergic Polymorphic Ventricular Tachycardia; VENTRICULAR TACHYCARDIA, STRESS-INDUCED POLYMORPHIC 1. Identifiers: Orphanet 3286, MedGen C1631597, MONDO:0011484, OMIM 604772.

Allele frequency attached by ClinVar (database versions not stated): gnomAD exomes 0.00001; ExAC 0.00002.
gnomAD v4.1: 3 of 1,613,980 alleles (0.00019%); highest among the groups gnomAD compares: Admixed American, 0.005%; no homozygotes.

Submissions (3):

All of Us Research Program, National Institutes of Health
Classification: Uncertain significance for Catecholaminergic polymorphic ventricular tachycardia. Last evaluated: 2024-05-14. Review status: criteria provided, single submitter. Criteria: ACMG Guidelines, 2015. Collection method: clinical testing. Allele origin: germline. Inheritance: Autosomal dominant inheritance. Observed: 1 variant allele, 1 heterozygote.
Comment: This missense variant replaces histidine with asparagine at codon 2541 of the RYR2 protein. Computational prediction suggests that this variant may not impact protein structure and function (internally defined REVEL score threshold <= 0.5, PMID: 27666373). To our knowledge, functional studies have not been reported for this variant. This variant has not been reported in individuals affected with RYR2-related disorders in the literature. This variant has been identified in 3/249300 chromosomes in the general population by the Genome Aggregation Database (gnomAD). The available evidence is insufficient to determine the role of this variant in disease conclusively. Therefore, this variant is classified as a Variant of Uncertain Significance.

This study involves interpretation of variants in research participants for the purpose of population health screening. Participant phenotype was not available at the time of variant classification. Additional details can be found in publication PMID: 35346344, PMCID: PMC8962531

Labcorp Genetics (formerly Invitae), Labcorp
Classification: Uncertain significance for Catecholaminergic polymorphic ventricular tachycardia 1. Last evaluated: 2021-08-26. Review status: criteria provided, single submitter. Criteria: Invitae Variant Classification Sherloc (09022015). Collection method: clinical testing. Allele origin: germline.
Comment: This sequence change replaces histidine with asparagine at codon 2541 of the RYR2 protein (p.His2541Asn). The histidine residue is highly conserved and there is a small physicochemical difference between histidine and asparagine. This variant is present in population databases (rs763814352, ExAC 0.03%). This variant has not been reported in the literature in individuals affected with RYR2-related conditions. Advanced modeling of protein sequence and biophysical properties (such as structural, functional, and spatial information, amino acid conservation, physicochemical variation, residue mobility, and thermodynamic stability) performed at Invitae indicates that this missense variant is not expected to disrupt RYR2 protein function. In summary, the available evidence is currently insufficient to determine the role of this variant in disease. Therefore, it has been classified as a Variant of Uncertain Significance.

Ambry Genetics
Classification: Uncertain significance for Cardiovascular phenotype. Last evaluated: 2021-07-08. Review status: criteria provided, single submitter. Criteria: Ambry Variant Classification Scheme 2023. Collection method: clinical testing. Allele origin: germline.